The following is an entry in ClinVar:

NM_004168.4(SDHA):c.1969_1980del (p.Val657_Ala660del)

Gene: SDHA (succinate dehydrogenase complex flavoprotein subunit A; plus strand). Cytogenetic location: 5p15.33.
Variant type: Deletion.
Coding change: c.1969_1980del on transcript NM_004168.4 (MANE Select); coding-DNA positions 1969 to 1980, 12 bases deleted (GTCCCGCCAGCC).
Protein change: p.Val657_Ala660del.
Molecular consequence: inframe deletion.
Genome position (GRCh38, 1-based): chr5:256,394-256,405, GTCCCGCCAGCC deleted; deleting any 12 consecutive bases within chr5:256,392-256,405 gives the same sequence; the c. name uses the placement nearest the transcript's 3' end. VCF-style (leftmost placement, unchanged base first): chr5-256391-ACCGTCCCGCCAG-A. GRCh37 (hg19) VCF-style: chr5-256506-ACCGTCCCGCCAG-A.
Other names: c.1825_1836del, p.Val609_Ala612del (NM_001294332.2); c.1726_1737del, p.Val576_Ala579del (NM_001330758.2); c.1969_1980del (NM_004168.2).
Identifiers: ClinVar variation 3751205 (VCV003751205.3).

ClinVar aggregate classification (germline): Uncertain significance. Review status: criteria provided, multiple submitters, no conflicts (2 of 4 stars). 2 submissions from 2 submitters: Uncertain significance (2). Last evaluated 2024-12-10.

Conditions:
Mitochondrial complex II deficiency, nuclear type 1. Also called: SUCCINATE CoQ REDUCTASE DEFICIENCY. Identifiers: Orphanet 3208, MedGen C5700310, MONDO:0100294, OMIM 252011.
Pheochromocytoma/paraganglioma syndrome 5. Also called: Paragangliomas 5; SDHA-Related Hereditary Paraganglioma-Pheochromocytoma Syndrome. Identifiers: Orphanet 29072, MedGen C3279992, MONDO:0013602, OMIM 614165.

Submissions (2):

GeneDx
Classification: Uncertain significance. Last evaluated: 2024-12-10. Review status: criteria provided, single submitter. Criteria: GeneDx Variant Classification Process June 2021. Collection method: clinical testing. Allele origin: germline. Affected: yes.
Comment: Not observed at significant frequency in large population cohorts (gnomAD); In-frame deletion of 4 amino acids in a non-repeat region; In silico analysis indicates that this variant does not alter protein structure/function; Has not been previously published as pathogenic or benign to our knowledge

Labcorp Genetics (formerly Invitae), Labcorp
Classification: Uncertain significance for Pheochromocytoma/paraganglioma syndrome 5; Mitochondrial complex II deficiency, nuclear type 1. Last evaluated: 2024-02-02. Review status: criteria provided, single submitter. Criteria: Invitae Variant Classification Sherloc (09022015). Collection method: clinical testing. Allele origin: germline.
Comment: This variant, c.1969_1980del, results in the deletion of 4 amino acid(s) of the SDHA protein (p.Val657_Ala660del), but otherwise preserves the integrity of the reading frame. This variant is not present in population databases (gnomAD no frequency). This variant has not been reported in the literature in individuals affected with SDHA-related conditions. Experimental studies and prediction algorithms are not available or were not evaluated, and the functional significance of this variant is currently unknown. In summary, the available evidence is currently insufficient to determine the role of this variant in disease. Therefore, it has been classified as a Variant of Uncertain Significance.